The following is an entry in ClinVar:

ClinVar aggregate classification (germline): Uncertain significance (1 of 4 stars; one submission).

Submission:

Clinical Genomics Laboratory, Washington University in St. Louis
Classification: Uncertain significance. Last evaluated: 2025-11-24. Review status: criteria provided, single submitter. Criteria: ACMG Guidelines, 2015. Collection method: clinical testing. Allele origin: germline.
Comment: The SEMA3C c.103+1G>A variant, to our knowledge, has not been reported in the medical literature and is absent from the general population (gnomAD v4.1.0), indicating it is not a common variant. However, this position is noted to have low quality genotype calls in gnomAD. This variant occurs within the canonical splice donor site of the first exon and the overall impact of this variant on the transcript is uncertain. Due to limited information, the clinical significance of this variant is uncertain.

NM_006379.5(SEMA3C):c.103+1G>A

Gene: SEMA3C (semaphorin 3C; minus strand). Cytogenetic location: 7q21.11.
Variant type: single nucleotide variant.
Coding change: c.103+1G>A on transcript NM_006379.5 (MANE Select); the canonical splice donor site of the intron after coding-DNA position 103, G replaced by A.
Molecular consequence: splice donor variant.
Genome position (GRCh38, 1-based): chr7:80,916,678, C>T on the plus strand (G>A on the coding strand, the complement: SEMA3C is on the minus strand). VCF-style: chr7-80916678-C-T. GRCh37 (hg19) VCF-style: chr7-80545994-C-T.
Other names: c.157+1G>A (NM_001350120.2); c.-160+1G>A (NM_001350121.2).
Identifiers: ClinVar variation 4879540 (VCV004879540.1).